The following is an entry in ClinVar:

ClinVar aggregate classification (germline): Uncertain significance (1 of 4 stars; one submission).

Submission:

CeGaT Center for Human Genetics Tuebingen
Classification: Uncertain significance. Last evaluated: 2024-07-01. Review status: criteria provided, single submitter. Criteria: CeGaT Center For Human Genetics Tuebingen Variant Classification Criteria Version 2. Collection method: clinical testing. Allele origin: germline. Affected: yes. Observed: 1 variant allele.
Comment: KMT2D: PM2, BP4

NM_003482.4(KMT2D):c.1117T>A (p.Ser373Thr)

Gene: KMT2D (lysine methyltransferase 2D; minus strand). Cytogenetic location: 12q13.12.
Variant type: single nucleotide variant.
Coding change: c.1117T>A on transcript NM_003482.4 (MANE Select); coding-DNA position 1117, T replaced by A.
Protein change: p.Ser373Thr; replaces serine 373 with threonine.
Molecular consequence: missense variant.
Genome position (GRCh38, 1-based): chr12:49,052,705, A>T on the plus strand (T>A on the coding strand, the complement: KMT2D is on the minus strand). VCF-style: chr12-49052705-A-T. GRCh37 (hg19) VCF-style: chr12-49446488-A-T.
Other names: short protein forms S373T.
Identifiers: ClinVar variation 3341911 (VCV003341911.16).